The following is an entry in ClinVar:

NM_021224.6(ZNF462):c.1076T>G (p.Leu359Trp)

Gene: ZNF462 (zinc finger protein 462; plus strand). Cytogenetic location: 9q31.2.
Variant type: single nucleotide variant.
Coding change: c.1076T>G on transcript NM_021224.6 (MANE Select); coding-DNA position 1076, T replaced by G.
Protein change: p.Leu359Trp; replaces leucine 359 with tryptophan.
Molecular consequence: missense variant.
Genome position (GRCh38, 1-based): chr9:106,924,988, T>G. VCF-style: chr9-106924988-T-G. GRCh37 (hg19) VCF-style: chr9-109687269-T-G.
Other names: c.1076T>G (NM_021224.4); c.1076T>G, p.Leu359Trp (NM_001347997.2); short protein forms L359W.
Identifiers: ClinVar variation 2169978 (VCV002169978.25), dbSNP rs140936337, ClinGen allele CA5171275.

ClinVar aggregate classification (germline): Benign/Likely benign. Review status: criteria provided, multiple submitters, no conflicts (2 of 4 stars). 4 submissions from 4 submitters: Benign (2); Likely benign (2). Last evaluated 2025-02-16.

Conditions:
Inborn genetic diseases. Identifiers: MedGen C0950123, MeSH D030342.

Allele frequency attached by ClinVar (database versions not stated): TOPMed 0.00016; ExAC 0.00017; gnomAD 0.00018; ESP Exome Variant Server 0.00023; gnomAD exomes 0.00037.
gnomAD v4.1: 555 of 1,614,064 alleles (0.034%); highest among the groups gnomAD compares: Non-Finnish European, 0.046%; 1 homozygote.

Submissions (4):

Laboratory of Genetics, Children's Clinical University Hospital Latvia
Classification: Benign. Last evaluated: 2025-02-16. Review status: criteria provided, single submitter. Criteria: ACMG Guidelines, 2015. Collection method: clinical testing. Allele origin: germline. Affected: yes.

CeGaT Center for Human Genetics Tuebingen
Classification: Likely benign. Last evaluated: 2024-06-01. Review status: criteria provided, single submitter. Criteria: CeGaT Center For Human Genetics Tuebingen Variant Classification Criteria Version 2. Collection method: clinical testing. Allele origin: germline. Affected: yes. Observed: 1 variant allele.
Comment: ZNF462: BP4, BS2

Labcorp Genetics (formerly Invitae), Labcorp
Classification: Benign. Last evaluated: 2023-07-19. Review status: criteria provided, single submitter. Criteria: Invitae Variant Classification Sherloc (09022015). Collection method: clinical testing. Allele origin: germline.

Ambry Genetics
Classification: Likely benign for Inborn genetic diseases. Last evaluated: 2023-01-06. Review status: criteria provided, single submitter. Criteria: Ambry Variant Classification Scheme 2023. Collection method: clinical testing. Allele origin: germline.